The following is an entry in ClinVar:

ClinVar aggregate classification (germline): Uncertain significance (1 of 4 stars; one submission).

Conditions:
TBX3-related disorder. Also called: TBX3-related condition.

gnomAD v4.1: 4 of 1,516,378 alleles (0.00026%); highest among the groups gnomAD compares: Non-Finnish European, 0.00035%; no homozygotes.

Submission:

PreventionGenetics, part of Exact Sciences
Classification: Uncertain significance for TBX3-related condition. Last evaluated: 2025-06-23. Review status: criteria provided, single submitter. Criteria: ACMG Guidelines, 2015. Collection method: clinical testing. Allele origin: germline.
Comment: The TBX3 c.1412G>A variant is predicted to result in the amino acid substitution p.Arg471His. To our knowledge, this variant has not been reported in the literature. This variant is reported in 0.0065% of alleles in individuals of European (Non-Finnish) descent in gnomAD. At this time, the clinical significance of this variant is uncertain due to the absence of conclusive functional and genetic evidence.

NM_005996.4(TBX3):c.1352G>A (p.Arg451His)

Gene: TBX3 (T-box transcription factor 3; minus strand). Cytogenetic location: 12q24.21.
Variant type: single nucleotide variant.
Coding change: c.1352G>A on transcript NM_005996.4 (MANE Select); coding-DNA position 1352, G replaced by A.
Protein change: p.Arg451His; replaces arginine 451 with histidine.
Molecular consequence: missense variant.
Genome position (GRCh38, 1-based): chr12:114,674,523, C>T on the plus strand (G>A on the coding strand, the complement: TBX3 is on the minus strand). VCF-style: chr12-114674523-C-T. GRCh37 (hg19) VCF-style: chr12-115112328-C-T.
Other names: c.1412G>A, p.Arg471His (NM_016569.4); short protein forms R471H, R451H.
Identifiers: ClinVar variation 4977631 (VCV004977631.1).